The following is an entry in ClinVar:

ClinVar aggregate classification (germline): Uncertain significance (1 of 4 stars; one submission).

Conditions:
Long QT syndrome (LQTS). Identifiers: MedGen C0023976, MeSH D008133, MONDO:0002442. Disease mechanism: loss of function. Inheritance: Various modes of inheritance.

gnomAD v4.1: 1 of 1,614,162 alleles (0.000062%); highest among the groups gnomAD compares: Non-Finnish European, 0.000085%; no homozygotes.

Submission:

Labcorp Genetics (formerly Invitae), Labcorp
Classification: Uncertain significance for Long QT syndrome. Last evaluated: 2021-04-23. Review status: criteria provided, single submitter. Criteria: Invitae Variant Classification Sherloc (09022015). Collection method: clinical testing. Allele origin: germline.
Comment: In summary, the available evidence is currently insufficient to determine the role of this variant in disease. Therefore, it has been classified as a Variant of Uncertain Significance. This sequence change replaces lysine with glutamic acid at codon 1874 of the ANK2 protein (p.Lys1874Glu). The lysine residue is weakly conserved and there is a small physicochemical difference between lysine and glutamic acid. This variant is not present in population databases (ExAC no frequency). This variant has not been reported in the literature in individuals with ANK2-related conditions. Algorithms developed to predict the effect of missense changes on protein structure and function are either unavailable or do not agree on the potential impact of this missense change (SIFT: "Tolerated"; PolyPhen-2: "Possibly Damaging"; Align-GVGD: "Class C0").

NM_001148.6(ANK2):c.5620A>G (p.Lys1874Glu)

Genes: ANK2 (ankyrin 2; plus strand), LOC126807136 (MED14-independent group 3 enhancer GRCh37_chr4:114274931-114276130; plus strand). Cytogenetic location: 4q26.
Variant type: single nucleotide variant.
Coding change: c.5620A>G on transcript NM_001148.6 (MANE Select); coding-DNA position 5620, A replaced by G.
Protein change: p.Lys1874Glu; replaces lysine 1874 with glutamic acid.
Molecular consequence: missense variant. On other transcripts: intron variant (68).
Genome position (GRCh38, 1-based): chr4:113,354,238, A>G. VCF-style: chr4-113354238-A-G. GRCh37 (hg19) VCF-style: chr4-114275394-A-G.
Other names: c.5386A>G, p.Lys1796Glu (NM_001386142.1); c.2020A>G, p.Lys674Glu (NM_001386166.1); c.5761A>G, p.Lys1921Glu (NM_001386174.1); c.5737A>G, p.Lys1913Glu (NM_001386175.1); c.4411+3989A>G (NM_001386186.2, NM_001386148.2); c.4213+3989A>G (NM_001354269.3); c.4291+3989A>G (NM_001386187.2); c.4252+3989A>G (NM_001386147.1); and 35 more; short protein forms K1913E, K1921E, K1796E, K1874E, K674E.
Identifiers: ClinVar variation 1390220 (VCV001390220.8), dbSNP rs2154020296, ClinGen allele CA357920531.